The following is an entry in ClinVar:

ClinVar aggregate classification (germline): Conflicting classifications of pathogenicity. Review status: criteria provided, conflicting classifications (1 of 4 stars). 3 submissions from 3 submitters: Uncertain significance (1); Likely benign (2). Last evaluated 2025-06-09.

Conditions:
Hereditary cancer-predisposing syndrome. Also called: Tumor predisposition; Hereditary Cancer Syndrome; Hereditary neoplastic syndrome; Neoplastic Syndromes, Hereditary. Identifiers: Orphanet 140162, MedGen C0027672, MeSH D009386, MONDO:0015356.

Submissions (3):

Ambry Genetics
Classification: Likely benign for Hereditary cancer-predisposing syndrome. Last evaluated: 2025-06-09. Review status: criteria provided, single submitter. Criteria: Ambry Variant Classification Scheme 2023. Collection method: clinical testing. Allele origin: germline.

CeGaT Center for Human Genetics Tuebingen
Classification: Uncertain significance. Last evaluated: 2023-09-01. Review status: criteria provided, single submitter. Criteria: CeGaT Center For Human Genetics Tuebingen Variant Classification Criteria Version 2. Collection method: clinical testing. Allele origin: germline. Affected: yes. Observed: 1 variant allele.
Comment: BRCA2: PM2, BP1, BP4

GeneDx
Classification: Likely benign. Last evaluated: 2015-06-30. Review status: criteria provided, single submitter. Criteria: GeneDx Variant Classification (06012015). Collection method: clinical testing. Allele origin: germline. Affected: yes.
Comment: This variant is considered likely benign or benign based on one or more of the following criteria: it is a conservative change, it occurs at a poorly conserved position in the protein, it is predicted to be benign by multiple in silico algorithms, and/or has population frequency not consistent with disease.

NM_000059.4(BRCA2):c.9619A>T (p.Ile3207Phe)

Gene: BRCA2 (BRCA2 DNA repair associated; plus strand). Cytogenetic location: 13q13.1.
Variant type: single nucleotide variant.
Coding change: c.9619A>T on transcript NM_000059.4 (MANE Select); coding-DNA position 9619, A replaced by T.
Protein change: p.Ile3207Phe; replaces isoleucine 3207 with phenylalanine.
Molecular consequence: missense variant.
Genome position (GRCh38, 1-based): chr13:32,397,015, A>T. VCF-style: chr13-32397015-A-T. GRCh37 (hg19) VCF-style: chr13-32971152-A-T.
Other names: short protein forms I3207F.
Identifiers: ClinVar variation 380203 (VCV000380203.26), dbSNP rs1057520802, ClinGen allele CA16607500.
Genomic context (GRCh38, chr13:32,397,015, plus strand): 5'-AATGATCCCAAGTGGTCCACCCCAACTAAAGACTGTACTTCAGGGCCGTACACTGCTCAA[A>T]TCATTCCTGGTACAGGAAACAAGCTTCTGGTAAGTTAATGTAAACTCAAGGAATATTATA-3'
Protein context (NP_000050.3, residues 3197-3217): DCTSGPYTAQ[Ile3207Phe]IPGTGNKLLM